The following is an entry in ClinVar:

NM_004646.4(NPHS1):c.2928-1G>C

Gene: NPHS1 (NPHS1 adhesion molecule, nephrin; minus strand). Cytogenetic location: 19q13.12.
Variant type: single nucleotide variant.
Coding change: c.2928-1G>C on transcript NM_004646.4 (MANE Select); the canonical splice acceptor site of the intron before coding-DNA position 2928, G replaced by C.
Molecular consequence: splice acceptor variant.
Genome position (GRCh38, 1-based): chr19:35,839,419, C>G on the plus strand (G>C on the coding strand, the complement: NPHS1 is on the minus strand). VCF-style: chr19-35839419-C-G. GRCh37 (hg19) VCF-style: chr19-36330321-C-G.
Identifiers: ClinVar variation 4059035 (VCV004059035.2).

ClinVar aggregate classification (germline): Likely pathogenic (1 of 4 stars; one submission).

Conditions:
Finnish congenital nephrotic syndrome (NPHS1). Also called: NEPHROTIC SYNDROME, TYPE 1. Identifiers: Orphanet 839, MedGen C0403399, MONDO:0009732, OMIM 256300.

Submission:

Natera, Inc.
Classification: Likely pathogenic for Finnish congenital nephrotic syndrome. Last evaluated: 2025-03-03. Review status: criteria provided, single submitter. Criteria: Natera Variant Classification Schema (03/2026). Collection method: clinical testing. Allele origin: germline.
Comment: The c.2928-1G>C variant in NPHS1 is a canonical splice acceptor site variant predicted to affect pre-mRNA splicing, which may result in an abnormal transcript and altered protein product. This variant is expected to result in nonsense mediated decay, truncation, or a dysfunctional protein product. This variant is rare in the general population with a frequency below the threshold expected for the associated phenotype(s). Given the available evidence, this variant is classified as Likely Pathogenic.